The following is an entry in ClinVar:

ClinVar aggregate classification (germline): other (0 of 4 stars; one submission).

Conditions:
Familial colorectal cancer. Identifiers: MedGen CN280943, MONDO:0023113. Disease mechanism: loss of function.

Submission:

Systems Biology Platform Zhejiang California International NanoSystems Institute
Classification: other for Familial colorectal cancer. Review status: no assertion criteria provided. Collection method: not provided. Allele origin: unknown.
ClinVar note: Converted during submission from cancer to other.

NM_001127511.3(APC):c.165+20015G>A

Gene: APC (APC regulator of Wnt signaling pathway; plus strand). Cytogenetic location: 5q22.2.
Variant type: single nucleotide variant.
Coding change: c.165+20015G>A on transcript NM_001127511.3; 20015 bases into the intron after coding-DNA position 165, G replaced by A.
Molecular consequence: intron variant.
Genome position (GRCh38, 1-based): chr5:112,727,897, G>A. VCF-style: chr5-112727897-G-A. GRCh37 (hg19) VCF-style: chr5-112063594-G-A.
Other names: c.-1054+20015G>A (NM_001407470.1, NM_001407472.1); c.-19+20015G>A (NM_001407447.1, NM_001354895.2, NM_001407456.1 and 3 more transcripts); c.165+20015G>A (NM_001407446.1, NM_001354897.2, NM_001354902.2); c.-19+20248G>A (NM_001407448.1, NM_001407450.1, NM_001407457.1 and 1 more transcripts); c.-43+20248G>A (NM_001407453.1).
Identifiers: ClinVar variation 82696 (VCV000082696.4), dbSNP rs79707630, ClinGen allele CA023456.